The following is an entry in ClinVar:

ClinVar aggregate classification (germline): Pathogenic. Review status: reviewed by expert panel (3 of 4 stars). 27 submissions from 27 submitters: Pathogenic (1). 26 of the submissions do not count toward it. Last evaluated 2026-04-30.

Conditions:
Erythrocytosis, familial, 6. Also called: ERYTHROCYTOSIS, BETA-GLOBIN TYPE; POLYCYTHEMIA, BETA-GLOBIN TYPE. Identifiers: MedGen C4693822, MONDO:0054801, OMIM 617980.
Beta-thalassemia HBB/LCRB. Identifiers: MedGen CN322236, MONDO:0013517, OMIM 613985.
METHEMOGLOBINEMIA, BETA TYPE. Also called: Methemoglobinemia, beta-globin type. Identifiers: MedGen C1840779, OMIM 617971.
Hb SS disease (SCD). Also called: Sickle cell anemia; Sickle cell disease; HbS disease; Hemoglobin S Disease; Sickling disorder due to hemoglobin S; Hemoglobin SS. Identifiers: Orphanet 232, Orphanet 275752, MedGen C0002895, MONDO:0011382, OMIM 603903.
Dominant beta-thalassemia. Also called: Beta-thalassemia, dominant inclusion body type. Identifiers: Orphanet 231226, Orphanet 848, MedGen C1858990, MONDO:0011381, OMIM 603902.
Heinz body anemia. Also called: Heinz body hemolytic anemia. Identifiers: Orphanet 178330, MedGen C0700299, MONDO:0007705, OMIM 140700, HP:0005511.
Malaria, susceptibility to. Identifiers: Orphanet 673, MedGen C1970028, MONDO:0021024, OMIM 611162.
Hereditary persistence of fetal hemoglobin. Identifiers: MedGen C0019025, MONDO:0020989, OMIM 141749.
HBB-related disorder. Also called: HBB-related condition; HBB-related disorders. Identifiers: MedGen CN239378.
beta Thalassemia (BTHAL). Also called: Cooley's anemia; Erythroblastic anemia; Mediterranean anemia. Identifiers: Orphanet 848, MedGen C0005283, MONDO:0019402. Disease mechanism: loss of function.
BETA-PLUS-THALASSEMIA. Identifiers: MedGen C3841475.

Allele frequency attached by ClinVar (database versions not stated): TOPMed 0.00002; gnomAD 0.00003.
gnomAD v4.1: 32 of 1,168,954 alleles (0.0027%); highest among the groups gnomAD compares: Middle Eastern, 0.019%; no homozygotes.

Submissions 1 to 5 of 27:

ClinGen Hemoglobinopathy Variant Curation Expert Panel, ClinGen
Classification: Pathogenic for Beta-thalassemia HBB/LCRB. Last evaluated: 2026-04-30. Review status: reviewed by expert panel. Criteria: ClinGen Hb Opathy ACMG Specifications HBB V1.0.0. Collection method: curation. Allele origin: germline. Inheritance: Autosomal recessive inheritance.
Comment: The c.316-106C>G variant in the HBB gene is an intronic variant which creates an aberrant 5' splice site at nucleotide 745 of intron 2 and activates a cryptic 3' splice site within the same intron. The mutation results in a premature stop codon that prevents proper mRNA translation and causes a β‐globin deficiency, resulting in β‐thalassemia. This variant has been reported in 15 probands with β-thalassemia trait phenotype meeting low red cell indices (MCV <79 fl, MCH <27 pg) and high Hb A2 (≥3.5%). Total score is >16 [PS4_VS; PMID: 2713503; 10367795; The Hemoglobinopathies Laboratory, Department of Human and Clinical Genetics, Leiden University Medical Center; Molecular Genetics Laboratory, Hamilton Regional Laboratory Medicine Program, Hamilton Health Sciences]. It has been detected in 9 individuals with beta-thalassemia major, 1 individual with beta-thalassemia intermedia and 1 individual with sickle cell disease. Of those individuals, 4 were compound heterozygous for the variant and a pathogenic variant (Hb S, -87C>G, CD 39 C>T, IVS I-110G>A, IVS I-1G>A, -101 C>T, Hb Knossos) and were confirmed in trans by family testing and DNA studies, and 4 individuals were homozygous for the variant. Total PM3 points are 8 [PM3_VS; PMID: 17949282; 2713503; The Hemoglobinopathies Laboratory, Department of Human and Clinical Genetics, Leiden University Medical Center; Molecular Genetics Laboratory, Hamilton Regional Laboratory Medicine Program, Hamilton Health Sciences]. The variant has been reported to segregate with transfusion-dependent thalassemia in 5 affected family members from 5 families. The number of unaffected segregations is 0, giving a LOD score of 3.01 [PP1_S; PMID: 17949282; Molecular Genetics Laboratory, Hamilton Regional Laboratory Medicine Program, Hamilton Health Sciences]. The computational predictor SpliceAI gives a Δ score of 0.72 for donor gain (VCEP threshold >0.3), suggesting that the variant may affect splicing [PP3]. In vitro transcription/splicing assays showed that this variant produces a spliced mutant mRNA with retained intronic sequences, as well as a reduced amount of the correctly spliced mRNA [PMID: 6188062]. A biosynthetic assay (heterozygous sample) showed a β/γ+α ratio of 0.4, further indicating that this variant may impact protein function [PS3_P; PMID: 10367795]. The minor allele frequency in gnomAD v4.1 is 0.00002737 (32/1168954 alleles), which is lower than the ClinGen Hemoglobinopathy VCEP threshold <0.0001 for PM2_Supporting, and therefore meets this criterion [PM2_P]. In summary, this variant meets the criteria to be classified as a pathogenic variant for beta-thalassemia HBB/LCRB (MONDO:0013517) in an autosomal recessive manner based on the ACMG/AMP criteria applied, as specified by the ClinGen Hemoglobinopathy VCEP (specification version 1.0.0): PM3_VS, PP1_S, PS4_VS, PM2_P, PP3, PS3_P.

PreventionGenetics, part of Exact Sciences
Classification: Pathogenic for HBB-related condition. Last evaluated: 2026-07-09. Review status: criteria provided, single submitter. Criteria: ACMG Guidelines, 2015. Collection method: clinical testing. Allele origin: germline. Not counted in ClinVar's aggregate classification.
Comment: The HBB c.316-106C>G variant is predicted to interfere with splicing. This variant (also described as "IVS-II-745 C>G") has been reported in the compound heterozygous, and homozygous states in multiple individuals with beta thalassemia (Baysal et al. 1992. PubMed ID: 1390250; Sadiq et al. 2001. PubMed ID: 11559932; Ropero et al. 2013. PubMed ID: 23425204; Carrocini et al. 2017. PubMed ID: 28366028; Amin et al. 2020. PubMed ID: 33335418). Transcriptional analysis found that this variant leads to the formation of a cryptic splice donor site resulting in the insertion of 55 amino acid residues into the beta-globin mRNA (Treisman et al. 1983. PubMed ID: 6188062). This variant has not been reported in the gnomAD database, indicating this variant is rare. This variant is interpreted as pathogenic.

Women's Health and Genetics/Laboratory Corporation of America, LabCorp
Classification: Pathogenic for beta Thalassemia. Last evaluated: 2026-05-07. Review status: criteria provided, single submitter. Criteria: LabCorp Variant Classification Summary - May 2015. Collection method: clinical testing. Allele origin: germline. Not counted in ClinVar's aggregate classification.
Comment: Variant summary: HBB c.316-106C>G is located at a position not widely known to affect splicing. Several computational tools predict a significant impact on normal splicing: Four predict the variant creates a 5' donor site. At least one publication reports that this variant affects mRNA splicing (Orkin_1982). The variant allele was found at a frequency of 2.7e-05 in 1168954 control chromosomes. This frequency is not significantly higher than estimated for disease-causing variants in HBB, allowing no conclusion about variant significance. c.316-106C>G has been observed in multiple individuals affected with Beta Thalassemia (e.g. Orkin_1982, Oner_1990, Waye_1999, Kountouris_2016). These data indicate that the variant is very likely to be associated with disease. The following publications have been ascertained in the context of this evaluation (PMID: 27199182, 2200760, 6280057, 10490138). ClinVar contains an entry for this variant (Variation ID: 15457). Based on the evidence outlined above, the variant was classified as pathogenic.

Labcorp Genetics (formerly Invitae), Labcorp
Classification: Pathogenic. Last evaluated: 2025-12-24. Review status: criteria provided, single submitter. Criteria: Invitae Variant Classification Sherloc (09022015). Collection method: clinical testing. Allele origin: germline. Not counted in ClinVar's aggregate classification.
Comment: This sequence change falls in intron 2 of the HBB gene. It does not directly change the encoded amino acid sequence of the HBB protein. RNA analysis indicates that this variant induces altered splicing and likely results in the gain of 55 amino acid residue(s), but is expected to preserve the integrity of the reading-frame. This variant is not present in population databases (gnomAD no frequency). This variant has been observed in individuals with β-thalassemia (PMID: 2713503, 11559932, 23425204, 25155404). This variant is also known as IVS-II-745C>G or IVS2-745C>G. ClinVar contains an entry for this variant (Variation ID: 15457). Studies have shown that this variant alters HBB gene expression (PMID: 6188062). Studies have shown that this variant results in the activation of a cryptic splice site in intron 2 (PMID: 6188062). For these reasons, this variant has been classified as Pathogenic.

Natera, Inc.
Classification: Pathogenic for Beta thalassemia. Last evaluated: 2025-09-16. Review status: criteria provided, single submitter. Criteria: Natera Variant Classification Schema (03/2026). Collection method: clinical testing. Allele origin: germline. Not counted in ClinVar's aggregate classification.
Comment: The c.316-106C>G variant in HBB is an intronic variant located outside the canonical splice sites. This variant is rare in the general population with a frequency below the threshold expected for the associated phenotype(s). This variant has been observed in one or more individuals affected with the associated recessive disease, as either homozygous or compound heterozygous with a second variant (PMID: 21333566, 17365006). Given the available evidence, this variant is classified as Pathogenic.

NM_000518.5(HBB):c.316-106C>G

Genes: HBB (hemoglobin subunit beta; minus strand), LOC107133510 (origin of replication at HBB; plus strand), LOC110006319 (beta-globin gene 3' regulatory region; plus strand). Cytogenetic location: 11p15.4.
Variant type: single nucleotide variant.
Coding change: c.316-106C>G on transcript NM_000518.5 (MANE Select); 106 bases into the intron before coding-DNA position 316, C replaced by G.
Molecular consequence: intron variant.
Genome position (GRCh38, 1-based): chr11:5,225,832, G>C on the plus strand (C>G on the coding strand, the complement: HBB is on the minus strand). VCF-style: chr11-5225832-G-C. GRCh37 (hg19) VCF-style: chr11-5247062-G-C.
Other names: IVS2-745C>G; IVS II-745 C>G; IVS2, C-G, +745.
Identifiers: ClinVar variation 15457 (VCV000015457.147), dbSNP rs34690599, ClinGen allele CA125316.